The following is an entry in ClinVar:

NM_000090.4(COL3A1):c.3950C>G (p.Thr1317Arg)

Gene: COL3A1 (collagen type III alpha 1 chain; plus strand). Cytogenetic location: 2q32.2.
Variant type: single nucleotide variant.
Coding change: c.3950C>G on transcript NM_000090.4 (MANE Select); coding-DNA position 3950, C replaced by G.
Protein change: p.Thr1317Arg; replaces threonine 1317 with arginine.
Molecular consequence: missense variant.
Genome position (GRCh38, 1-based): chr2:189,010,304, C>G. VCF-style: chr2-189010304-C-G. GRCh37 (hg19) VCF-style: chr2-189875030-C-G.
Other names: short protein forms T1317R.
Identifiers: ClinVar variation 3894265 (VCV003894265.1).
Genomic context (GRCh38, chr2:189,010,304, plus strand): 5'-AAACTGGGGAAACATGCATAAGTGCCAATCCTTTGAATGTTCCACGGAAACACTGGTGGA[C>G]AGATTCTAGTGCTGAGAAGAAACACGTTTGGTTTGGAGAGTCCATGGATGGTGGTTTTCA-3'
Protein context (NP_000081.2, residues 1307-1327): PLNVPRKHWW[Thr1317Arg]DSSAEKKHVW

ClinVar aggregate classification (germline): Uncertain significance (1 of 4 stars; one submission).

Conditions:
Familial thoracic aortic aneurysm and aortic dissection (TAAD). Also called: Thoracic aortic aneurysms and dissections. Identifiers: Orphanet 91387, MedGen C4707243, MONDO:0019625.

Submission:

Color Diagnostics, LLC DBA Color Health
Classification: Uncertain significance for Familial thoracic aortic aneurysm and aortic dissection. Last evaluated: 2025-03-17. Review status: criteria provided, single submitter. Criteria: ACMG Guidelines, 2015. Collection method: clinical testing. Allele origin: germline.
Comment: This missense variant replaces threonine with arginine at codon 1317 of the COL3A1 protein. Computational prediction suggests that this variant may not impact protein structure and function (internally defined REVEL score threshold <= 0.5, PMID: 27666373). To our knowledge, functional studies have not been reported for this variant. This variant has not been reported in individuals affected with COL3A1-related disorders in the literature. This variant has not been identified in the general population by the Genome Aggregation Database (gnomAD). The available evidence is insufficient to determine the role of this variant in disease conclusively. Therefore, this variant is classified as a Variant of Uncertain Significance.